The following is an entry in ClinVar:

NM_001734.5(C1S):c.1613C>T (p.Pro538Leu)

Gene: C1S (complement C1s; plus strand). Cytogenetic location: 12p13.31.
Variant type: single nucleotide variant.
Coding change: c.1613C>T on transcript NM_001734.5 (MANE Select); coding-DNA position 1613, C replaced by T.
Protein change: p.Pro538Leu; replaces proline 538 with leucine.
Molecular consequence: missense variant.
Genome position (GRCh38, 1-based): chr12:7,070,197, C>T. VCF-style: chr12-7070197-C-T. GRCh37 (hg19) VCF-style: chr12-7177501-C-T.
Other names: c.1112C>T, p.Pro371Leu (NM_001346850.2); c.1613C>T, p.Pro538Leu (NM_201442.4); short protein forms P371L, P538L.
Identifiers: ClinVar variation 2120364 (VCV002120364.4), dbSNP rs2539607989, ClinGen allele CA383705560.

ClinVar aggregate classification (germline): Uncertain significance (1 of 4 stars; one submission).

Allele frequency attached by ClinVar (database versions not stated): gnomAD exomes below 0.00001.
gnomAD v4.1: 1 of 1,614,146 alleles (0.000062%); highest among the groups gnomAD compares: Non-Finnish European, 0.000085%; no homozygotes.

Submission:

Labcorp Genetics (formerly Invitae), Labcorp
Classification: Uncertain significance. Last evaluated: 2022-04-01. Review status: criteria provided, single submitter. Criteria: Invitae Variant Classification Sherloc (09022015). Collection method: clinical testing. Allele origin: germline.
Comment: In summary, the available evidence is currently insufficient to determine the role of this variant in disease. Therefore, it has been classified as a Variant of Uncertain Significance. Algorithms developed to predict the effect of missense changes on protein structure and function (SIFT, PolyPhen-2, Align-GVGD) all suggest that this variant is likely to be disruptive. This variant has not been reported in the literature in individuals affected with C1S-related conditions. This variant is not present in population databases (gnomAD no frequency). This sequence change replaces proline, which is neutral and non-polar, with leucine, which is neutral and non-polar, at codon 538 of the C1S protein (p.Pro538Leu).